The following is an entry in ClinVar:

ClinVar aggregate classification (germline): Uncertain significance (1 of 4 stars; one submission).

Conditions:
Cardiovascular phenotype. Identifiers: MedGen CN230736.

Submission:

Ambry Genetics
Classification: Uncertain significance for Cardiovascular phenotype. Last evaluated: 2024-03-11. Review status: criteria provided, single submitter. Criteria: Ambry Variant Classification Scheme 2023. Collection method: clinical testing. Allele origin: germline.
Comment: The p.R3038P variant (also known as c.9113G>C), located in coding exon 37 of the AKAP9 gene, results from a G to C substitution at nucleotide position 9113. The arginine at codon 3038 is replaced by proline, an amino acid with dissimilar properties. This amino acid position is conserved. In addition, this alteration is predicted to be tolerated by in silico analysis. Based on the available evidence, the clinical significance of this alteration remains unclear.

NM_005751.5(AKAP9):c.9113G>C (p.Arg3038Pro)

Gene: AKAP9 (A-kinase anchoring protein 9; plus strand). Cytogenetic location: 7q21.2.
Variant type: single nucleotide variant.
Coding change: c.9113G>C on transcript NM_005751.5 (MANE Select); coding-DNA position 9113, G replaced by C.
Protein change: p.Arg3038Pro; replaces arginine 3038 with proline.
Molecular consequence: missense variant.
Genome position (GRCh38, 1-based): chr7:92,086,316, G>C. VCF-style: chr7-92086316-G-C. GRCh37 (hg19) VCF-style: chr7-91715630-G-C.
Other names: c.3758G>C, p.Arg1253Pro (NM_001379277.1); c.9089G>C, p.Arg3030Pro (NM_147185.3); short protein forms R1253P, R3030P, R3038P.
Identifiers: ClinVar variation 3225108 (VCV003225108.1), dbSNP rs756856124, ClinGen allele CA368143698.